The following is an entry in ClinVar:

NM_020745.4(AARS2):c.2033G>A (p.Arg678Gln)

Gene: AARS2 (alanyl-tRNA synthetase 2, mitochondrial; minus strand). Cytogenetic location: 6p21.1.
Variant type: single nucleotide variant.
Coding change: c.2033G>A on transcript NM_020745.4 (MANE Select); coding-DNA position 2033, G replaced by A.
Protein change: p.Arg678Gln; replaces arginine 678 with glutamine.
Molecular consequence: missense variant.
Genome position (GRCh38, 1-based): chr6:44,303,398, C>T on the plus strand (G>A on the coding strand, the complement: AARS2 is on the minus strand). VCF-style: chr6-44303398-C-T. GRCh37 (hg19) VCF-style: chr6-44271135-C-T.
Other names: p.R678Q:CGG>CAG; p.Arg678Gln; short protein forms R678Q.
Identifiers: ClinVar variation 136213 (VCV000136213.41), dbSNP rs150973108, ClinGen allele CA289176.

ClinVar aggregate classification (germline): Benign/Likely benign. Review status: criteria provided, multiple submitters, no conflicts (2 of 4 stars). 8 submissions from 8 submitters: Benign (3); Likely benign (5). Last evaluated 2026-09-01.

Conditions:
Combined oxidative phosphorylation defect type 8. Also called: CARDIOMYOPATHY, HYPERTROPHIC MITOCHONDRIAL, FATAL INFANTILE. Identifiers: Orphanet 319504, MedGen C4518839, MONDO:0013570, OMIM 614096.

Allele frequency attached by ClinVar (database versions not stated): gnomAD exomes 0.00108; ExAC 0.00125; 1000 Genomes Project 0.00200; 1000 Genomes Project 30x 0.00203; gnomAD 0.00309 and 0.00340; TOPMed 0.00382; ESP Exome Variant Server 0.00461.
gnomAD v4.1: 1,067 of 1,613,950 alleles (0.066%); highest among the groups gnomAD compares: African/African-American, 1.1%; 7 homozygotes.

Submissions (8):

CeGaT Center for Human Genetics Tuebingen
Classification: Likely benign. Last evaluated: 2026-09-01. Review status: criteria provided, single submitter. Criteria: CeGaT Center For Human Genetics Tuebingen Variant Classification Criteria Version 2. Collection method: clinical testing. Allele origin: germline. Affected: yes. Observed: 4 variant alleles.
Comment: AARS2: BP4, BS1

Labcorp Genetics (formerly Invitae), Labcorp
Classification: Benign. Last evaluated: 2026-01-26. Review status: criteria provided, single submitter. Criteria: Invitae Variant Classification Sherloc (09022015). Collection method: clinical testing. Allele origin: germline.

Molecular Diagnostic Laboratory for Inherited Cardiovascular Disease, Montreal Heart Institute
Classification: Likely benign. Last evaluated: 2025-04-09. Review status: criteria provided, single submitter. Criteria: ACMG Guidelines, 2015. Collection method: clinical testing. Allele origin: germline. Affected: no.

Mayo Clinic Laboratories, Mayo Clinic
Classification: Benign. Last evaluated: 2024-11-04. Review status: criteria provided, single submitter. Criteria: ACMG Guidelines, 2015. Collection method: clinical testing. Allele origin: germline. Observed: 5 variant alleles.
Comment: BA1, BP4_strong

Blueprint Genetics
Classification: Likely benign. Last evaluated: 2024-10-09. Review status: criteria provided, single submitter. Criteria: ACMG Guidelines, 2015. Collection method: clinical testing. Allele origin: germline.

Illumina Laboratory Services, Illumina
Classification: Likely benign for Combined oxidative phosphorylation defect type 8. Last evaluated: 2018-01-13. Review status: criteria provided, single submitter. Criteria: ICSL Variant Classification Criteria 13 December 2019. Collection method: clinical testing. Allele origin: germline.
Comment: This variant was observed in the ICSL laboratory as part of a predisposition screen in an ostensibly healthy population. It had not been previously curated by ICSL or reported in the Human Gene Mutation Database (HGMD: prior to June 1st, 2018), and was therefore a candidate for classification through an automated scoring system. Utilizing variant allele frequency, disease prevalence and penetrance estimates, and inheritance mode, an automated score was calculated to assess if this variant is too frequent to cause the disease. Based on the score and internal cut-off values, a variant classified as likely benign is not then subjected to further curation. The score for this variant resulted in a classification of likely benign for this disease.

GeneDx
Classification: Benign. Last evaluated: 2014-01-07. Review status: criteria provided, single submitter. Criteria: GeneDx Variant Classification (06012015). Collection method: clinical testing. Allele origin: germline. Affected: yes.
Comment: This variant is considered likely benign or benign based on one or more of the following criteria: it is a conservative change, it occurs at a poorly conserved position in the protein, it is predicted to be benign by multiple in silico algorithms, and/or has population frequency not consistent with disease.

Breakthrough Genomics
Classification: Likely benign. Review status: criteria provided, single submitter. Criteria: ACMG Guidelines, 2015. Collection method: not provided. Allele origin: germline. Inheritance: Autosomal recessive inheritance. Affected: yes.